The following is an entry in ClinVar:

ClinVar aggregate classification (germline): Uncertain significance (1 of 4 stars; one submission).

gnomAD v4.1: 3 of 1,206,300 alleles (0.00025%); highest among the groups gnomAD compares: East Asian, 0.003%; no homozygotes.

Submission:

GeneDx
Classification: Uncertain significance. Last evaluated: 2024-10-21. Review status: criteria provided, single submitter. Criteria: GeneDx Variant Classification Process June 2021. Collection method: clinical testing. Allele origin: germline. Affected: yes.
Comment: Not observed at significant frequency in large population cohorts (gnomAD); In silico analysis indicates that this missense variant does not alter protein structure/function; Has not been previously published as pathogenic or benign to our knowledge

NM_015365.3(AMMECR1):c.49C>T (p.Pro17Ser)

Gene: AMMECR1 (AMMECR nuclear protein 1; minus strand). Cytogenetic location: Xq23.
Variant type: single nucleotide variant.
Coding change: c.49C>T on transcript NM_015365.3 (MANE Select); coding-DNA position 49, C replaced by T.
Protein change: p.Pro17Ser; replaces proline 17 with serine.
Molecular consequence: missense variant. On other transcripts: intron variant (1).
Genome position (GRCh38, 1-based): chrX:110,318,023, G>A on the plus strand (C>T on the coding strand, the complement: AMMECR1 is on the minus strand). VCF-style: chrX-110318023-G-A. GRCh37 (hg19) VCF-style: chrX-109561251-G-A.
Other names: c.49C>T, p.Pro17Ser (NM_001025580.2); c.-147-174C>T (NM_001171689.2); short protein forms P17S.
Identifiers: ClinVar variation 3780990 (VCV003780990.1).